The following is an entry in ClinVar:

ClinVar aggregate classification (germline): Uncertain significance. Review status: criteria provided, multiple submitters, no conflicts (2 of 4 stars). 8 submissions from 8 submitters: Uncertain significance (8). Last evaluated 2025-11-10.

Conditions:
Juvenile polyposis syndrome (JPS). Identifiers: Orphanet 2929, MedGen C0345893, MONDO:0017380, OMIM 174900.
Hereditary cancer-predisposing syndrome. Also called: Tumor predisposition; Neoplastic Syndromes, Hereditary; Hereditary Cancer Syndrome; Hereditary neoplastic syndrome. Identifiers: Orphanet 140162, MedGen C0027672, MeSH D009386, MONDO:0015356.
Polyposis syndrome, hereditary mixed, 2. Identifiers: Orphanet 157794, MedGen C1864730, MONDO:0012405, OMIM 610069.

Allele frequency attached by ClinVar (database versions not stated): gnomAD exomes below 0.00001 and 0.00001; gnomAD 0.00001.
gnomAD v4.1: 9 of 1,614,032 alleles (0.00056%); highest among the groups gnomAD compares: East Asian, 0.0022%; no homozygotes.

Submissions (8):

Labcorp Genetics (formerly Invitae), Labcorp
Classification: Uncertain significance for Juvenile polyposis syndrome. Last evaluated: 2025-11-10. Review status: criteria provided, single submitter. Criteria: Invitae Variant Classification Sherloc (09022015). Collection method: clinical testing. Allele origin: germline.
Comment: This sequence change replaces arginine, which is basic and polar, with glutamine, which is neutral and polar, at codon 494 of the BMPR1A protein (p.Arg494Gln). This variant is present in population databases (no rsID available, gnomAD 0.005%). This variant has not been reported in the literature in individuals affected with BMPR1A-related conditions. ClinVar contains an entry for this variant (Variation ID: 489690). Invitae Evidence Modeling incorporating data from in vitro experimental studies (internal data) indicates that this missense variant is not expected to disrupt BMPR1A function with a negative predictive value of 95%. In summary, the available evidence is currently insufficient to determine the role of this variant in disease. Therefore, it has been classified as a Variant of Uncertain Significance.

St. Jude Molecular Pathology, St. Jude Children's Research Hospital
Classification: Uncertain significance for Juvenile polyposis syndrome. Last evaluated: 2025-06-17. Review status: criteria provided, single submitter. Criteria: St. Jude Assertion Criteria 2020. Collection method: clinical testing. Allele origin: germline.
Comment: The BMPR1A c.1481G>A p.(Arg494Gln) missense change has a maximum subpopulation frequency of 0.005% in gnomAD v2.1.1. The in silico tool REVEL is inconclusive about a pathogenic or benign effect of this variant on protein function, and to our knowledge functional studies have not been performed. To our knowledge, this variant has not been reported in individuals with juvenile polyposis syndrome. In summary, the evidence currently available is insufficient to determine the clinical significance of this variant. It has therefore been classified as of uncertain significance.

Color Diagnostics, LLC DBA Color Health
Classification: Uncertain significance for Hereditary cancer-predisposing syndrome. Last evaluated: 2024-03-06. Review status: criteria provided, single submitter. Criteria: ACMG Guidelines, 2015. Collection method: clinical testing. Allele origin: germline.
Comment: This missense variant replaces arginine with glutamine at codon 494 of the BMPR1A protein. Computational prediction is inconclusive regarding the impact of this variant on protein structure and function (internally defined REVEL score threshold 0.5 < inconclusive < 0.7, PMID: 27666373). To our knowledge, functional studies have not been reported for this variant. This variant has not been reported in individuals affected with hereditary cancer in the literature. This variant has been identified in 3/282888 chromosomes in the general population by the Genome Aggregation Database (gnomAD). The available evidence is insufficient to determine the role of this variant in disease conclusively. Therefore, this variant is classified as a Variant of Uncertain Significance.

All of Us Research Program, National Institutes of Health
Classification: Uncertain significance for Juvenile polyposis syndrome. Last evaluated: 2023-11-30. Review status: criteria provided, single submitter. Criteria: ACMG Guidelines, 2015. Collection method: clinical testing. Allele origin: germline. Inheritance: Autosomal dominant inheritance. Observed: 1 variant allele, 1 heterozygote.
Comment: This missense variant replaces arginine with glutamine at codon 494 of the BMPR1A protein. Computational prediction is inconclusive regarding the impact of this variant on protein structure and function (internally defined REVEL score threshold 0.5 < inconclusive < 0.7, PMID: 27666373). To our knowledge, functional studies have not been reported for this variant. This variant has not been reported in individuals affected with hereditary cancer in the literature. This variant has been identified in 3/282888 chromosomes in the general population by the Genome Aggregation Database (gnomAD). The available evidence is insufficient to determine the role of this variant in disease conclusively. Therefore, this variant is classified as a Variant of Uncertain Significance.

This study involves interpretation of variants in research participants for the purpose of population health screening. Participant phenotype was not available at the time of variant classification. Additional details can be found in publication PMID: 35346344, PMCID: PMC8962531

Quest Diagnostics Nichols Institute San Juan Capistrano
Classification: Uncertain significance. Last evaluated: 2023-11-07. Review status: criteria provided, single submitter. Criteria: Quest Diagnostics criteria. Collection method: clinical testing. Allele origin: unknown.
Comment: The BMPR1A c.1481G>A (p.Arg494Gln) variant has been reported in the published literature in a healthy individual (PMID: 36243179 (2022)). To the best of our knowledge, this variant has not been reported in individuals with BMPR1A-related cancers in the literature. The frequency of this variant in the general population, 0.000011 (3/282888 chromosomes (Genome Aggregation Database)), is uninformative in the assessment of its pathogenicity. Analysis of this variant using bioinformatics tools for the prediction of the effect of amino acid changes on protein structure and function yielded conflicting predictions that this variant is benign or damaging. Based on the available information, we are unable to determine the clinical significance of this variant.

Ambry Genetics
Classification: Uncertain significance for Hereditary cancer-predisposing syndrome. Last evaluated: 2023-10-04. Review status: criteria provided, single submitter. Criteria: Ambry Variant Classification Scheme 2023. Collection method: clinical testing. Allele origin: germline.
Comment: The p.R494Q variant (also known as c.1481G>A), located in coding exon 11 of the BMPR1A gene, results from a G to A substitution at nucleotide position 1481. The arginine at codon 494 is replaced by glutamine, an amino acid with highly similar properties. This amino acid position is highly conserved in available vertebrate species. In addition, the in silico prediction for this alteration is inconclusive. Since supporting evidence is limited at this time, the clinical significance of this alteration remains unclear.

Baylor Genetics
Classification: Uncertain significance for Polyposis syndrome, hereditary mixed, 2. Last evaluated: 2023-05-23. Review status: criteria provided, single submitter. Criteria: ACMG Guidelines, 2015. Collection method: clinical testing. Allele origin: unknown.

GeneDx
Classification: Uncertain significance. Last evaluated: 2021-05-26. Review status: criteria provided, single submitter. Criteria: GeneDx Variant Classification Process June 2021. Collection method: clinical testing. Allele origin: germline. Affected: yes.
Comment: Not observed at significant frequency in large population cohorts (Lek 2016); In silico analysis supports that this missense variant does not alter protein structure/function; Has not been previously published as pathogenic or benign to our knowledge

Literature cited by the submitters: PubMed 36243179 (cited by Quest Diagnostics Nichols Institute San Juan Capistrano).

NM_004329.3(BMPR1A):c.1481G>A (p.Arg494Gln)

Gene: BMPR1A (bone morphogenetic protein receptor type 1A; plus strand). Cytogenetic location: 10q23.2.
Variant type: single nucleotide variant.
Coding change: c.1481G>A on transcript NM_004329.3 (MANE Select); coding-DNA position 1481, G replaced by A.
Protein change: p.Arg494Gln; replaces arginine 494 with glutamine.
Molecular consequence: missense variant.
Genome position (GRCh38, 1-based): chr10:86,923,601, G>A. VCF-style: chr10-86923601-G-A. GRCh37 (hg19) VCF-style: chr10-88683358-G-A.
Other names: short protein forms R494Q.
Identifiers: ClinVar variation 489690 (VCV000489690.28), dbSNP rs1204089728, ClinGen allele CA377463684.